The following is an entry in ClinVar:

NM_001042492.3(NF1):c.8054_8055del (p.Val2685fs)

Gene: NF1 (neurofibromin 1; plus strand). Cytogenetic location: 17q11.2.
Variant type: Microsatellite.
Coding change: c.8054_8055del on transcript NM_001042492.3 (MANE Select); coding-DNA positions 8054 to 8055, 2 bases deleted (TG; older notation c.8054_8055delTG).
Protein change: p.Val2685fs; shifts the reading frame from valine 2685.
Molecular consequence: frameshift variant.
Genome position (GRCh38, 1-based): chr17:31,358,563-31,358,564, TG deleted; deleting any 2 consecutive bases within chr17:31,358,561-31,358,564 gives the same sequence; the c. name uses the placement nearest the transcript's 3' end. VCF-style (leftmost placement, unchanged base first): chr17-31358560-TTG-T. GRCh37 (hg19) VCF-style: chr17-29685578-TTG-T.
Other names: c.7991_7992delTG (NM_000267.3); c.7989_7990TG[1], p.Val2664Alafs (NM_000267.4); short protein forms V2685fs, V2664fs.
Identifiers: ClinVar variation 659542 (VCV000659542.5), dbSNP rs1597868171, ClinGen allele CA915949925.

ClinVar aggregate classification (germline): Pathogenic (1 of 4 stars; one submission).

Conditions:
Neurofibromatosis, type 1 (NF1). Also called: VON RECKLINGHAUSEN DISEASE; NEUROFIBROMATOSIS, TYPE I, SOMATIC; Peripheral type neurofibromatosis; Neurofibromatosis, type I. Identifiers: Orphanet 636, MedGen C0027831, MONDO:0018975, OMIM 162200. Disease mechanism: loss of function.

Submission:

Labcorp Genetics (formerly Invitae), Labcorp
Classification: Pathogenic for Neurofibromatosis, type 1. Last evaluated: 2018-09-11. Review status: criteria provided, single submitter. Criteria: Invitae Variant Classification Sherloc (09022015). Collection method: clinical testing. Allele origin: germline.
Comment: This sequence change creates a premature translational stop signal (p.Val2664Alafs*7) in the NF1 gene. It is expected to result in an absent or disrupted protein product. This variant is not present in population databases (ExAC no frequency). This variant has not been reported in the literature in individuals with NF1-related disease. Loss-of-function variants in NF1 are known to be pathogenic (PMID: 10712197, 23913538). For these reasons, this variant has been classified as Pathogenic.

Literature cited by the submitters: PubMed 10712197; PubMed 23913538.